The following is an entry in ClinVar:

NM_001368067.1(LDB3):c.418G>A (p.Val140Met)

Genes: LDB3 (LIM domain binding 3; plus strand), LOC110121486 (VISTA enhancer hs2143; plus strand). Cytogenetic location: 10q23.2.
Variant type: single nucleotide variant.
Coding change: c.418G>A on transcript NM_001368067.1 (MANE Plus Clinical); coding-DNA position 418, G replaced by A.
Protein change: p.Val140Met; replaces valine 140 with methionine.
Molecular consequence: missense variant. On other transcripts: intron variant (5).
Genome position (GRCh38, 1-based): chr10:86,687,142, G>A. VCF-style: chr10-86687142-G-A. GRCh37 (hg19) VCF-style: chr10-88446899-G-A.
Other names: c.418G>A, p.Val140Met (NM_001080114.2, NM_001080116.1, NM_001368066.1 and 1 more transcripts); c.763G>A, p.Val255Met (NM_001171610.2, NM_001171611.2); c.690-4754G>A (NM_001368064.1, NM_001368063.1, NM_007078.3 and 2 more transcripts); short protein forms V140M, V255M.
Identifiers: ClinVar variation 372662 (VCV000372662.15), dbSNP rs745329859, ClinGen allele CA5584817.

ClinVar aggregate classification (germline): Uncertain significance. Review status: criteria provided, multiple submitters, no conflicts (2 of 4 stars). 3 submissions from 3 submitters: Uncertain significance (3). Last evaluated 2025-11-12.

Conditions:
Myofibrillar myopathy 4. Also called: Zaspopathy (type). Identifiers: Orphanet 98912, MedGen C4721886, MONDO:0012277, OMIM 609452.

Allele frequency attached by ClinVar (database versions not stated): ExAC 0.00001; gnomAD exomes 0.00001 and 0.00002; TOPMed 0.00001.
gnomAD v4.1: 26 of 1,614,232 alleles (0.0016%); highest among the groups gnomAD compares: Non-Finnish European, 0.0019%; no homozygotes.

Submissions (3):

Labcorp Genetics (formerly Invitae), Labcorp
Classification: Uncertain significance for Myofibrillar myopathy 4. Last evaluated: 2025-11-12. Review status: criteria provided, single submitter. Criteria: Invitae Variant Classification Sherloc (09022015). Collection method: clinical testing. Allele origin: germline.
Comment: This sequence change replaces valine, which is neutral and non-polar, with methionine, which is neutral and non-polar, at codon 140 of the LDB3 protein (p.Val140Met). This variant is present in population databases (rs745329859, gnomAD 0.002%). This variant has not been reported in the literature in individuals affected with LDB3-related conditions. ClinVar contains an entry for this variant (Variation ID: 372662). An algorithm developed to predict the effect of missense changes on protein structure and function (PolyPhen-2) suggests that this variant is likely to be disruptive. In summary, the available evidence is currently insufficient to determine the role of this variant in disease. Therefore, it has been classified as a Variant of Uncertain Significance.

ARUP Laboratories, Molecular Genetics and Genomics, ARUP Laboratories
Classification: Uncertain significance. Last evaluated: 2017-05-26. Review status: criteria provided, single submitter. Criteria: ARUP Molecular Germline Variant Investigation Process. Collection method: clinical testing. Allele origin: germline.
Comment: The p.Val140Met variant (rs745329859) has not been reported in the medical literature nor has it been previously identified in our laboratory; however, it is listed in the ClinVar database as a variant of uncertain significance (Variation ID: 372662). It is listed in the Genome Aggregation Database (gnomAD) browser with a frequency in non-Finnish Europeans of 0.002% (identified in 2 out of 111,674 chromosomes). The valine at codon 140 is highly conserved down to Lamprey, and computational analyses suggest this variant has a significant effect on LDB3 protein structure/function (SIFT: damaging, PolyPhen2: probably damaging, and Mutation Taster: disease causing). However, based on the available information, the clinical significance of the p.Val140Met variant cannot be determined with certainty.

GeneDx
Classification: Uncertain significance. Last evaluated: 2017-05-11. Review status: criteria provided, single submitter. Criteria: GeneDx Variant Classification (06012015). Collection method: clinical testing. Allele origin: germline. Affected: yes.
Comment: The V140M variant in the LDB3 gene has not been reported previously as a pathogenic variant, nor as a benign variant, to our knowledge. The V140M variant was not observed in approximately 6,400 individuals of European and African American ancestry in the NHLBI Exome Sequencing Project, indicating it is not a common benign variant in these populations. The V140M variant is a conservative amino acid substitution, which is not likely to impact secondary protein structure as these residues share similar properties. This substitution occurs at a position that is conserved across species. In silico analysis is inconsistent in its predictions as to whether or not the variant is damaging to the protein structure/function. We interpret V140M as a variant of uncertain significance.